The following is an entry in ClinVar:

ClinVar aggregate classification (germline): Uncertain significance (1 of 4 stars; one submission).

gnomAD v4.1: 7 of 1,613,740 alleles (0.00043%); highest among the groups gnomAD compares: Admixed American, 0.012%; no homozygotes.

Submission:

Ambry Genetics
Classification: Uncertain significance. Last evaluated: 2025-02-22. Review status: criteria provided, single submitter. Criteria: Ambry Variant Classification Scheme 2023. Collection method: clinical testing. Allele origin: germline.
Comment: The p.A600P variant (also known as c.1798G>C), located in coding exon 13 of the GEN1 gene, results from a G to C substitution at nucleotide position 1798. The alanine at codon 600 is replaced by proline, an amino acid with highly similar properties. This amino acid position is conserved. In addition, this alteration is predicted to be tolerated by in silico analysis. Based on the available evidence, the clinical significance of this variant remains unclear.

NM_001130009.3(GEN1):c.1798G>C (p.Ala600Pro)

Gene: GEN1 (GEN1 Holliday junction 5' flap endonuclease; plus strand). Cytogenetic location: 2p24.2.
Variant type: single nucleotide variant.
Coding change: c.1798G>C on transcript NM_001130009.3 (MANE Select); coding-DNA position 1798, G replaced by C.
Protein change: p.Ala600Pro; replaces alanine 600 with proline.
Molecular consequence: missense variant.
Genome position (GRCh38, 1-based): chr2:17,781,010, G>C. VCF-style: chr2-17781010-G-C. GRCh37 (hg19) VCF-style: chr2-17962277-G-C.
Other names: c.1798G>C, p.Ala600Pro (NM_182625.5); short protein forms A600P.
Identifiers: ClinVar variation 3519789 (VCV003519789.2).